The following is an entry in ClinVar:

NM_007198.4(PLPBP):c.792C>T (p.Asp264=)

Gene: PLPBP (pyridoxal phosphate binding protein; plus strand). Cytogenetic location: 8p11.23.
Variant type: single nucleotide variant.
Coding change: c.792C>T on transcript NM_007198.4 (MANE Select); coding-DNA position 792, C replaced by T.
Protein change: p.Asp264=; no amino-acid change (aspartic acid 264 retained).
Molecular consequence: synonymous variant.
Genome position (GRCh38, 1-based): chr8:37,778,068, C>T. VCF-style: chr8-37778068-C-T. GRCh37 (hg19) VCF-style: chr8-37635586-C-T.
Other names: c.822C>T, p.Asp274= (NM_001349346.2); c.786C>T, p.Asp262= (NM_001349347.2); c.636C>T, p.Asp212= (NM_001349348.2); c.792C>T (NM_007198.3).
Identifiers: ClinVar variation 2987094 (VCV002987094.4), dbSNP rs372209680, ClinGen allele CA4711367.

ClinVar aggregate classification (germline): Likely benign. Review status: criteria provided, multiple submitters, no conflicts (2 of 4 stars). 2 submissions from 2 submitters: Likely benign (2). Last evaluated 2025-04-24.

Conditions:
PLPBP-related disorder. Also called: PLPBP-related condition.

Allele frequency attached by ClinVar (database versions not stated): ExAC 0.00001; gnomAD 0.00001; gnomAD exomes 0.00001; ESP Exome Variant Server 0.00008.
gnomAD v4.1: 19 of 1,613,528 alleles (0.0012%); highest among the groups gnomAD compares: African/African-American, 0.0027%; no homozygotes.

Submissions (2):

PreventionGenetics, part of Exact Sciences
Classification: Likely benign for PLPBP-related condition. Last evaluated: 2025-04-24. Review status: criteria provided, single submitter. Criteria: ACMG Guidelines, 2015. Collection method: clinical testing. Allele origin: germline.
Comment: This variant is classified as likely benign based on ACMG/AMP sequence variant interpretation guidelines (Richards et al. 2015 PMID: 25741868, with internal and published modifications).

Labcorp Genetics (formerly Invitae), Labcorp
Classification: Likely benign. Last evaluated: 2023-05-03. Review status: criteria provided, single submitter. Criteria: Invitae Variant Classification Sherloc (09022015). Collection method: clinical testing. Allele origin: germline.